The following is an entry in ClinVar:

NM_205861.3(DHDDS):c.157C>G (p.Gln53Glu)

Gene: DHDDS (dehydrodolichyl diphosphate synthase subunit; plus strand). Cytogenetic location: 1p36.11.
Variant type: single nucleotide variant.
Coding change: c.157C>G on transcript NM_205861.3 (MANE Select); coding-DNA position 157, C replaced by G.
Protein change: p.Gln53Glu; replaces glutamine 53 with glutamic acid.
Molecular consequence: missense variant. On other transcripts: 5 prime UTR variant (1).
Genome position (GRCh38, 1-based): chr1:26,438,261, C>G. VCF-style: chr1-26438261-C-G. GRCh37 (hg19) VCF-style: chr1-26764752-C-G.
Other names: c.157C>G, p.Gln53Glu (NM_001243564.2, NM_001243565.2, NM_024887.4); c.-146C>G (NM_001319959.2); short protein forms Q53E.
Identifiers: ClinVar variation 297072 (VCV000297072.9), dbSNP rs1057515434, ClinGen allele CA10610929.
Genomic context (GRCh38, chr1:26,438,261, plus strand): 5'-ATGGACGGGAACCGTCGCTATGCCAAGAAGTGCCAGGTGGAGCGGCAGGAAGGCCACTCA[C>G]AGGGCTTCAACAAGCTAGCTGAGGTGGGTGTGTATGGCAGAGCCCAAAGTGAACAGTCTG-3'
Protein context (NP_995583.1, residues 43-63): CQVERQEGHS[Gln53Glu]GFNKLAETLR

ClinVar aggregate classification (germline): Uncertain significance. Review status: criteria provided, multiple submitters, no conflicts (2 of 4 stars). 3 submissions from 3 submitters: Uncertain significance (3). Last evaluated 2026-01-27.

Conditions:
Retinitis pigmentosa (RP). Identifiers: Orphanet 791, MedGen C0035334, MeSH D012174, MONDO:0019200, OMIM 268000. Inheritance: Autosomal dominant, autosomal recessive and X linked inheritance.
Inborn genetic diseases. Identifiers: MedGen C0950123, MeSH D030342.
Retinitis pigmentosa 59 (RP59). Identifiers: Orphanet 791, MedGen C3151227, MONDO:0013468, OMIM 613861.

Allele frequency attached by ClinVar (database versions not stated): gnomAD exomes 0.00001.
gnomAD v4.1: 5 of 1,614,040 alleles (0.00031%); highest among the groups gnomAD compares: Non-Finnish European, 0.00042%; no homozygotes.

Submissions (3):

Labcorp Genetics (formerly Invitae), Labcorp
Classification: Uncertain significance for Retinitis pigmentosa 59. Last evaluated: 2026-01-27. Review status: criteria provided, single submitter. Criteria: Invitae Variant Classification Sherloc (09022015). Collection method: clinical testing. Allele origin: germline.
Comment: This sequence change replaces glutamine, which is neutral and polar, with glutamic acid, which is acidic and polar, at codon 53 of the DHDDS protein (p.Gln53Glu). This variant is not present in population databases (gnomAD no frequency). This variant has not been reported in the literature in individuals affected with DHDDS-related conditions. ClinVar contains an entry for this variant (Variation ID: 297072). Invitae Evidence Modeling of protein sequence and biophysical properties (such as structural, functional, and spatial information, amino acid conservation, physicochemical variation, residue mobility, and thermodynamic stability) indicates that this missense variant is not expected to disrupt DHDDS protein function with a negative predictive value of 80%. In summary, the available evidence is currently insufficient to determine the role of this variant in disease. Therefore, it has been classified as a Variant of Uncertain Significance.

Ambry Genetics
Classification: Uncertain significance for Inborn genetic diseases. Last evaluated: 2025-02-22. Review status: criteria provided, single submitter. Criteria: Ambry Variant Classification Scheme 2023. Collection method: clinical testing. Allele origin: germline.

Illumina Laboratory Services, Illumina
Classification: Uncertain significance for Retinitis pigmentosa. Last evaluated: 2018-01-12. Review status: criteria provided, single submitter. Criteria: ICSL Variant Classification Criteria 13 December 2019. Collection method: clinical testing. Allele origin: germline.